The following is an entry in ClinVar:

NM_198525.3(KIF7):c.3047C>T (p.Ser1016Leu)

Gene: KIF7 (kinesin family member 7; minus strand). Cytogenetic location: 15q26.1.
Variant type: single nucleotide variant.
Coding change: c.3047C>T on transcript NM_198525.3 (MANE Select); coding-DNA position 3047, C replaced by T.
Protein change: p.Ser1016Leu; replaces serine 1016 with leucine.
Molecular consequence: missense variant.
Genome position (GRCh38, 1-based): chr15:89,631,559, G>A on the plus strand (C>T on the coding strand, the complement: KIF7 is on the minus strand). VCF-style: chr15-89631559-G-A. GRCh37 (hg19) VCF-style: chr15-90174790-G-A.
Other names: short protein forms S1016L.
Identifiers: ClinVar variation 2154029 (VCV002154029.2), dbSNP rs184438388, ClinGen allele CA7727847.

ClinVar aggregate classification (germline): Uncertain significance. Review status: criteria provided, multiple submitters, no conflicts (2 of 4 stars). 2 submissions from 2 submitters: Uncertain significance (2). Last evaluated 2024-02-20.

Conditions:
Hydrolethalus syndrome 2 (HLS2). Identifiers: Orphanet 2189, MedGen C3279899, MONDO:0013585, OMIM 614120.
Acrocallosal syndrome (ACLS). Also called: Schinzel syndrome 1; Absence of corpus callosum with unusual facial appearance, mental deficiency, duplication of the halluces and polydactyly; HALLUX DUPLICATION, POSTAXIAL POLYDACTYLY, AND ABSENCE OF CORPUS CALLOSUM. Identifiers: Orphanet 36, MedGen C0796147, MONDO:0008708, OMIM 200990.
Multiple epiphyseal dysplasia, Al-Gazali type. Also called: Macrocephaly with multiple epiphyseal dysplasia and distinctive facies. Identifiers: Orphanet 166024, MedGen C1846722, MONDO:0011778, OMIM 607131.

Allele frequency attached by ClinVar (database versions not stated): gnomAD exomes below 0.00001; gnomAD 0.00003; ExAC 0.00005; TOPMed 0.00005; 1000 Genomes Project 30x 0.00016; 1000 Genomes Project 0.00020.
gnomAD v4.1: 9 of 1,574,918 alleles (0.00057%); highest among the groups gnomAD compares: African/African-American, 0.0081%; no homozygotes.

Submissions (2):

Fulgent Genetics
Classification: Uncertain significance for Acrocallosal syndrome; Multiple epiphyseal dysplasia, Al-Gazali type; Hydrolethalus syndrome 2. Last evaluated: 2024-02-20. Review status: criteria provided, single submitter. Criteria: ACMG Guidelines, 2015. Collection method: clinical testing. Allele origin: germline.

Labcorp Genetics (formerly Invitae), Labcorp
Classification: Uncertain significance for Acrocallosal syndrome. Last evaluated: 2021-12-04. Review status: criteria provided, single submitter. Criteria: Invitae Variant Classification Sherloc (09022015). Collection method: clinical testing. Allele origin: germline.
Comment: This sequence change replaces serine, which is neutral and polar, with leucine, which is neutral and non-polar, at codon 1016 of the KIF7 protein (p.Ser1016Leu). This variant is present in population databases (rs184438388, gnomAD 0.02%). This variant has not been reported in the literature in individuals affected with KIF7-related conditions. Algorithms developed to predict the effect of missense changes on protein structure and function output the following: SIFT: "Tolerated"; PolyPhen-2: "Benign"; Align-GVGD: "Class C0". The leucine amino acid residue is found in multiple mammalian species, which suggests that this missense change does not adversely affect protein function. In summary, the available evidence is currently insufficient to determine the role of this variant in disease. Therefore, it has been classified as a Variant of Uncertain Significance.